The following is an entry in ClinVar:

NM_199420.4(POLQ):c.6995C>T (p.Ser2332Phe)

Gene: POLQ (DNA polymerase theta; minus strand). Cytogenetic location: 3q13.33.
Variant type: single nucleotide variant.
Coding change: c.6995C>T on transcript NM_199420.4 (MANE Select); coding-DNA position 6995, C replaced by T.
Protein change: p.Ser2332Phe; replaces serine 2332 with phenylalanine.
Molecular consequence: missense variant.
Genome position (GRCh38, 1-based): chr3:121,460,207, G>A on the plus strand (C>T on the coding strand, the complement: POLQ is on the minus strand). VCF-style: chr3-121460207-G-A. GRCh37 (hg19) VCF-style: chr3-121179054-G-A.
Other names: short protein forms S2332F.
Identifiers: ClinVar variation 1756491 (VCV001756491.2), dbSNP rs2546764876, ClinGen allele CA354107766.

ClinVar aggregate classification (germline): Uncertain significance (1 of 4 stars; one submission).

Allele frequency attached by ClinVar (database versions not stated): gnomAD exomes below 0.00001.
gnomAD v4.1: 1 of 1,613,616 alleles (0.000062%); highest among the groups gnomAD compares: Non-Finnish European, 0.000085%; no homozygotes.

Submission:

Ambry Genetics
Classification: Uncertain significance. Last evaluated: 2022-04-05. Review status: criteria provided, single submitter. Criteria: Ambry Variant Classification Scheme 2023. Collection method: clinical testing. Allele origin: germline.
Comment: The p.S2332F variant (also known as c.6995C>T), located in coding exon 25 of the POLQ gene, results from a C to T substitution at nucleotide position 6995. The serine at codon 2332 is replaced by phenylalanine, an amino acid with highly dissimilar properties. This amino acid position is conserved. In addition, this alteration is predicted to be deleterious by in silico analysis. Since supporting evidence is limited at this time, the clinical significance of this alteration remains unclear.